The following is an entry in ClinVar:

NM_001042681.2(RERE):c.3297C>T (p.Asp1099=)

Gene: RERE (arginine-glutamic acid dipeptide repeats; minus strand). Cytogenetic location: 1p36.23.
Variant type: single nucleotide variant.
Coding change: c.3297C>T on transcript NM_001042681.2 (MANE Select); coding-DNA position 3297, C replaced by T.
Protein change: p.Asp1099=; no amino-acid change (aspartic acid 1099 retained).
Molecular consequence: synonymous variant.
Genome position (GRCh38, 1-based): chr1:8,360,210, G>A on the plus strand (C>T on the coding strand, the complement: RERE is on the minus strand). VCF-style: chr1-8360210-G-A. GRCh37 (hg19) VCF-style: chr1-8420270-G-A.
Other names: c.1635C>T, p.Asp545= (NM_001042682.2); c.3297C>T, p.Asp1099= (NM_012102.4).
Identifiers: ClinVar variation 791603 (VCV000791603.36), dbSNP rs148981427, ClinGen allele CA571206.

ClinVar aggregate classification (germline): Benign. Review status: criteria provided, multiple submitters, no conflicts (2 of 4 stars). 3 submissions from 3 submitters: Benign (3). Last evaluated 2026-09-01.

Allele frequency attached by ClinVar (database versions not stated): gnomAD exomes 0.00331 and 0.00308; ExAC 0.00622; 1000 Genomes Project 0.00220; ESP Exome Variant Server 0.00245; 1000 Genomes Project 30x 0.00250; gnomAD 0.00303 and 0.00306; TOPMed 0.00323.
gnomAD v4.1: 5,304 of 1,591,600 alleles (0.33%); highest among the groups gnomAD compares: Middle Eastern, 1.2%; 19 homozygotes.

Submissions (3):

CeGaT Center for Human Genetics Tuebingen
Classification: Benign. Last evaluated: 2026-09-01. Review status: criteria provided, single submitter. Criteria: CeGaT Center For Human Genetics Tuebingen Variant Classification Criteria Version 2. Collection method: clinical testing. Allele origin: germline. Affected: yes. Observed: 37 variant alleles.
Comment: RERE: BP4, BP7, BS1, BS2

Labcorp Genetics (formerly Invitae), Labcorp
Classification: Benign. Last evaluated: 2019-12-31. Review status: criteria provided, single submitter. Criteria: Invitae Variant Classification Sherloc (09022015). Collection method: clinical testing. Allele origin: germline.

Breakthrough Genomics
Classification: Benign. Review status: criteria provided, single submitter. Criteria: ACMG Guidelines, 2015. Collection method: not provided. Allele origin: germline. Inheritance: Autosomal dominant inheritance. Affected: yes.